The following is an entry in ClinVar:

NM_000059.4(BRCA2):c.4943C>T (p.Ala1648Val)

Gene: BRCA2 (BRCA2 DNA repair associated; plus strand). Cytogenetic location: 13q13.1.
Variant type: single nucleotide variant.
Coding change: c.4943C>T on transcript NM_000059.4 (MANE Select); coding-DNA position 4943, C replaced by T.
Protein change: p.Ala1648Val; replaces alanine 1648 with valine.
Molecular consequence: missense variant.
Genome position (GRCh38, 1-based): chr13:32,339,298, C>T. VCF-style: chr13-32339298-C-T. GRCh37 (hg19) VCF-style: chr13-32913435-C-T.
Other names: short protein forms A1648V.
Identifiers: ClinVar variation 628621 (VCV000628621.11), dbSNP rs1449458592, ClinGen allele CA387783721.
Genomic context (GRCh38, chr13:32,339,298, plus strand): 5'-AAACATCAAAAAGTATCTTTTTGAAAGTTAAAGTACATGAAAATGTAGAAAAAGAAACAG[C>T]AAAAAGTCCTGCAACTTGTTACACAAATCAGTCCCCTTATTCAGTCATTGAAAATTCAGC-3'
Protein context (NP_000050.3, residues 1638-1658): KVHENVEKET[Ala1648Val]KSPATCYTNQ

ClinVar aggregate classification (germline): Conflicting classifications of pathogenicity. Review status: criteria provided, conflicting classifications (1 of 4 stars). 4 submissions from 4 submitters: Uncertain significance (3); Likely benign (1). Last evaluated 2025-09-22.

Conditions:
Hereditary cancer-predisposing syndrome. Also called: Neoplastic Syndromes, Hereditary; Tumor predisposition; Hereditary neoplastic syndrome; Hereditary Cancer Syndrome. Identifiers: Orphanet 140162, MedGen C0027672, MeSH D009386, MONDO:0015356.
Hereditary breast ovarian cancer syndrome. Also called: Hereditary breast and ovarian cancer syndrome; Hereditary breast and ovarian cancer; Hereditary breast and ovarian cancer syndrome (HBOC); Breast and ovarian cancer; Hereditary breast and/or ovarian cancer syndrome; BRCA1- and BRCA2-Associated Hereditary Breast and Ovarian Cancer. Identifiers: Orphanet 145, MedGen C0677776, MeSH D061325, MONDO:0003582. Disease mechanism: loss of function.

Submissions (4):

Labcorp Genetics (formerly Invitae), Labcorp
Classification: Uncertain significance for Hereditary breast ovarian cancer syndrome. Last evaluated: 2025-09-22. Review status: criteria provided, single submitter. Criteria: Invitae Variant Classification Sherloc (09022015). Collection method: clinical testing. Allele origin: germline.
Comment: This sequence change replaces alanine, which is neutral and non-polar, with valine, which is neutral and non-polar, at codon 1648 of the BRCA2 protein (p.Ala1648Val). This variant is not present in population databases (gnomAD no frequency). This variant has not been reported in the literature in individuals affected with BRCA2-related conditions. ClinVar contains an entry for this variant (Variation ID: 628621). Invitae Evidence Modeling of protein sequence and biophysical properties (such as structural, functional, and spatial information, amino acid conservation, physicochemical variation, residue mobility, and thermodynamic stability) indicates that this missense variant is not expected to disrupt BRCA2 protein function with a negative predictive value of 95%. In summary, the available evidence is currently insufficient to determine the role of this variant in disease. Therefore, it has been classified as a Variant of Uncertain Significance.

University of Washington Department of Laboratory Medicine, University of Washington
Classification: Likely benign for Hereditary cancer-predisposing syndrome. Last evaluated: 2023-03-23. Review status: criteria provided, single submitter. Criteria: Dines et al. (Genet Med. 2020). Collection method: curation. Allele origin: germline.
Comment: Missense variant in a coldspot region where missense variants are very unlikely to be pathogenic (PMID:31911673).

BRCA2 exon 11 coldspot. Reclassification based on statistical prior probability.

Ambry Genetics
Classification: Uncertain significance for Hereditary cancer-predisposing syndrome. Last evaluated: 2022-10-12. Review status: criteria provided, single submitter. Criteria: Ambry Variant Classification Scheme 2023. Collection method: clinical testing. Allele origin: germline.
Comment: The p.A1648V variant (also known as c.4943C>T), located in coding exon 10 of the BRCA2 gene, results from a C to T substitution at nucleotide position 4943. The alanine at codon 1648 is replaced by valine, an amino acid with similar properties. This alteration was detected in 1/1197 patients with breast cancer who underwent genetic testing for BRCA1/2 (Abdel-Razeq H et al. Front Oncol, 2022 Mar;12:673094). This amino acid position is not well conserved in available vertebrate species. In addition, this alteration is predicted to be tolerated by in silico analysis. Since supporting evidence is limited at this time, the clinical significance of this alteration remains unclear.

Color Diagnostics, LLC DBA Color Health
Classification: Uncertain significance for Hereditary cancer-predisposing syndrome. Last evaluated: 2019-05-31. Review status: criteria provided, single submitter. Criteria: ACMG Guidelines, 2015. Collection method: clinical testing. Allele origin: germline.

Literature cited by the submitters: PubMed 35402282 (cited by Ambry Genetics).